The following is an entry in ClinVar:

ClinVar aggregate classification (germline): Uncertain significance. Review status: criteria provided, multiple submitters, no conflicts (2 of 4 stars). 3 submissions from 3 submitters: Uncertain significance (3). Last evaluated 2022-04-04.

Conditions:
Fanconi anemia complementation group P. Also called: SLX4-Related Fanconi Anemia. Identifiers: Orphanet 84, MedGen C3469542, MONDO:0013499, OMIM 613951.
Fanconi anemia (FA). Also called: Fanconi's anemia. Identifiers: Orphanet 84, MedGen C0015625, MeSH D005199, MONDO:0019391.

Allele frequency attached by ClinVar (database versions not stated): ExAC 0.00001; gnomAD 0.00001; gnomAD exomes 0.00001 and 0.00004; ESP Exome Variant Server 0.00008.
gnomAD v4.1: 66 of 1,614,064 alleles (0.0041%); highest among the groups gnomAD compares: Non-Finnish European, 0.0053%; 1 homozygote.

Submissions (3):

Labcorp Genetics (formerly Invitae), Labcorp
Classification: Uncertain significance for Fanconi anemia. Last evaluated: 2022-04-04. Review status: criteria provided, single submitter. Criteria: Invitae Variant Classification Sherloc (09022015). Collection method: clinical testing. Allele origin: germline.
Comment: This sequence change replaces glutamine, which is neutral and polar, with glutamic acid, which is acidic and polar, at codon 1590 of the SLX4 protein (p.Gln1590Glu). This variant is present in population databases (rs148228302, gnomAD 0.002%). This variant has not been reported in the literature in individuals affected with SLX4-related conditions. ClinVar contains an entry for this variant (Variation ID: 1051899). Algorithms developed to predict the effect of missense changes on protein structure and function (SIFT, PolyPhen-2, Align-GVGD) all suggest that this variant is likely to be disruptive. In summary, the available evidence is currently insufficient to determine the role of this variant in disease. Therefore, it has been classified as a Variant of Uncertain Significance.

Fulgent Genetics
Classification: Uncertain significance for Fanconi anemia complementation group P. Last evaluated: 2021-07-16. Review status: criteria provided, single submitter. Criteria: ACMG Guidelines, 2015. Collection method: clinical testing. Allele origin: unknown.

GeneDx
Classification: Uncertain significance. Last evaluated: 2021-05-05. Review status: criteria provided, single submitter. Criteria: GeneDx Variant Classification Process June 2021. Collection method: clinical testing. Allele origin: germline. Affected: yes.
Comment: In silico analysis supports that this missense variant does not alter protein structure/function; Observed in individuals with ovarian cancer (Song 2021); This variant is associated with the following publications: (PMID: 32546565)

NM_032444.4(SLX4):c.4768C>G (p.Gln1590Glu)

Gene: SLX4 (SLX4 structure-specific endonuclease subunit; minus strand). Cytogenetic location: 16p13.3.
Variant type: single nucleotide variant.
Coding change: c.4768C>G on transcript NM_032444.4 (MANE Select); coding-DNA position 4768, C replaced by G.
Protein change: p.Gln1590Glu; replaces glutamine 1590 with glutamic acid.
Molecular consequence: missense variant.
Genome position (GRCh38, 1-based): chr16:3,583,482, G>C on the plus strand (C>G on the coding strand, the complement: SLX4 is on the minus strand). VCF-style: chr16-3583482-G-C. GRCh37 (hg19) VCF-style: chr16-3633483-G-C.
Other names: short protein forms Q1590E.
Identifiers: ClinVar variation 1051899 (VCV001051899.8), dbSNP rs148228302, ClinGen allele CA7865509.